The following is an entry in ClinVar:

NM_181507.2(HPS5):c.-142C>T

Genes: HPS5 (HPS5 biogenesis of lysosomal organelles complex 2 subunit 2; minus strand), LOC126861152 (BRD4-independent group 4 enhancer GRCh37_chr11:18343272-18344471; plus strand). Cytogenetic location: 11p15.1.
Variant type: single nucleotide variant.
Coding change: c.-142C>T on transcript NM_181507.2 (MANE Select); 142 bases upstream of the start codon, C replaced by T.
Molecular consequence: 5 prime UTR variant. On other transcripts: intron variant (14).
Genome position (GRCh38, 1-based): chr11:18,322,038, G>A on the plus strand (C>T on the coding strand, the complement: HPS5 is on the minus strand). VCF-style: chr11-18322038-G-A. GRCh37 (hg19) VCF-style: chr11-18343585-G-A.
Other names: c.-142C>T (NM_001440902.1, NM_001440904.1, NM_001440913.1 and 2 more transcripts); c.-333C>T (NM_001440908.1, NM_001440918.1); c.-176C>T (NM_001440909.1); c.-216C>T (NM_001440922.1, NM_001440928.1); c.-327C>T (NM_001440923.1, NM_001440924.1, NM_001440927.1 and 2 more transcripts); c.-124+95C>T (NM_001440929.1); c.-235+95C>T (NM_181508.2, NM_001440921.1); c.-50+95C>T (NM_001440915.1, NM_001440931.1, NM_001440917.1 and 1 more transcripts); and 4 more.
Identifiers: ClinVar variation 303902 (VCV000303902.5), dbSNP rs4150528, ClinGen allele CA10638685.

ClinVar aggregate classification (germline): Benign (1 of 4 stars; one submission).

Conditions:
Hermansky-Pudlak syndrome 5 (HPS5). Identifiers: Orphanet 231512, Orphanet 79430, MedGen C3888004, MONDO:0013557, OMIM 614074.

Allele frequency attached by ClinVar (database versions not stated): gnomAD 0.00857 and 0.00903; TOPMed 0.00975; 1000 Genomes Project 0.01298; 1000 Genomes Project 30x 0.01390.

Submission:

Illumina Laboratory Services, Illumina
Classification: Benign for Hermansky-Pudlak syndrome 5. Last evaluated: 2018-01-12. Review status: criteria provided, single submitter. Criteria: ICSL Variant Classification Criteria 13 December 2019. Collection method: clinical testing. Allele origin: germline.
Comment: This variant was observed in the ICSL laboratory as part of a predisposition screen in an ostensibly healthy population. It had not been previously curated by ICSL or reported in the Human Gene Mutation Database (HGMD: prior to June 1st, 2018), and was therefore a candidate for classification through an automated scoring system. Utilizing variant allele frequency, disease prevalence and penetrance estimates, and inheritance mode, an automated score was calculated to assess if this variant is too frequent to cause the disease. Based on the score and internal cut-off values, a variant classified as benign is not then subjected to further curation. The score for this variant resulted in a classification of benign for this disease.